The following is an entry in ClinVar:

ClinVar aggregate classification (germline): Uncertain significance (1 of 4 stars; one submission).

Allele frequency attached by ClinVar (database versions not stated): ESP Exome Variant Server 0.00008.
gnomAD v4.1: 36 of 1,610,342 alleles (0.0022%); highest among the groups gnomAD compares: Non-Finnish European, 0.00068%; no homozygotes.

Submission:

Labcorp Genetics (formerly Invitae), Labcorp
Classification: Uncertain significance. Last evaluated: 2025-08-22. Review status: criteria provided, single submitter. Criteria: Invitae Variant Classification Sherloc (09022015). Collection method: clinical testing. Allele origin: germline.
Comment: This sequence change replaces glycine, which is neutral and non-polar, with tryptophan, which is neutral and slightly polar, at codon 29 of the MAPKAPK3 protein (p.Gly29Trp). This variant is present in population databases (rs373642329, gnomAD 0.08%), and has an allele count higher than expected for a pathogenic variant. This variant has not been reported in the literature in individuals affected with MAPKAPK3-related conditions. ClinVar contains an entry for this variant (Variation ID: 937471). An algorithm developed to predict the effect of missense changes on protein structure and function (PolyPhen-2) suggests that this variant is likely to be disruptive. In summary, the available evidence is currently insufficient to determine the role of this variant in disease. Therefore, it has been classified as a Variant of Uncertain Significance.

NM_001243925.2(MAPKAPK3):c.85G>T (p.Gly29Trp)

Gene: MAPKAPK3 (MAPK activated protein kinase 3; plus strand). Cytogenetic location: 3p21.2.
Variant type: single nucleotide variant.
Coding change: c.85G>T on transcript NM_001243925.2 (MANE Select); coding-DNA position 85, G replaced by T.
Protein change: p.Gly29Trp; replaces glycine 29 with tryptophan.
Molecular consequence: missense variant.
Genome position (GRCh38, 1-based): chr3:50,617,650, G>T. VCF-style: chr3-50617650-G-T. GRCh37 (hg19) VCF-style: chr3-50655081-G-T.
Other names: c.85G>T, p.Gly29Trp (NM_001243926.2, NM_004635.5); short protein forms G29W.
Identifiers: ClinVar variation 937471 (VCV000937471.6), dbSNP rs373642329, ClinGen allele CA2420155.
Genomic context (GRCh38, chr3:50,617,650, plus strand): 5'-CAGGGGGGCCCTGTGCCCCCGCCAGTTGCACCCGGCGGACCCGGCTTGGGCGGTGCTCCG[G>T]GGGGGCGGCGGGAGCCCAAGAAGTACGCAGTGACCGACGACTACCAGTTGTCCAAGCAGG-3'
Protein context (NP_001230854.1, residues 19-39): PGGPGLGGAP[Gly29Trp]GRREPKKYAV